The following is an entry in ClinVar:

ClinVar aggregate classification (germline): Uncertain significance (1 of 4 stars; one submission).

Conditions:
Early-infantile DEE. Also called: Ohtahara syndrome; Early infantile epileptic encephalopathy with suppression bursts; Early infantile epileptic encephalopathy. Identifiers: Orphanet 1934, MedGen C0393706, MONDO:0800491.

Allele frequency attached by ClinVar (database versions not stated): gnomAD exomes below 0.00001; gnomAD 0.00001; 1000 Genomes Project 0.00020; 1000 Genomes Project 30x 0.00031.
gnomAD v4.1: 2 of 1,612,858 alleles (0.00012%); highest among the groups gnomAD compares: Admixed American, 0.0017%; no homozygotes.

Submission:

Labcorp Genetics (formerly Invitae), Labcorp
Classification: Uncertain significance for Early-infantile DEE. Last evaluated: 2022-02-04. Review status: criteria provided, single submitter. Criteria: Invitae Variant Classification Sherloc (09022015). Collection method: clinical testing. Allele origin: germline.
Comment: In summary, the available evidence is currently insufficient to determine the role of this variant in disease. Therefore, it has been classified as a Variant of Uncertain Significance. Advanced modeling of protein sequence and biophysical properties (such as structural, functional, and spatial information, amino acid conservation, physicochemical variation, residue mobility, and thermodynamic stability) performed at Invitae indicates that this missense variant is not expected to disrupt HCN1 protein function. ClinVar contains an entry for this variant (Variation ID: 978525). This variant has not been reported in the literature in individuals affected with HCN1-related conditions. This variant is not present in population databases (gnomAD no frequency). This sequence change replaces arginine, which is basic and polar, with threonine, which is neutral and polar, at codon 832 of the HCN1 protein (p.Arg832Thr).

NM_021072.4(HCN1):c.2495G>C (p.Arg832Thr)

Gene: HCN1 (hyperpolarization activated cyclic nucleotide gated potassium channel 1; minus strand). Cytogenetic location: 5p12.
Variant type: single nucleotide variant.
Coding change: c.2495G>C on transcript NM_021072.4 (MANE Select); coding-DNA position 2495, G replaced by C.
Protein change: p.Arg832Thr; replaces arginine 832 with threonine.
Molecular consequence: missense variant.
Genome position (GRCh38, 1-based): chr5:45,262,099, C>G on the plus strand (G>C on the coding strand, the complement: HCN1 is on the minus strand). VCF-style: chr5-45262099-C-G. GRCh37 (hg19) VCF-style: chr5-45262201-C-G.
Other names: short protein forms R832T.
Identifiers: ClinVar variation 978525 (VCV000978525.10), dbSNP rs199887416, ClinGen allele CA118278349.